The following is an entry in ClinVar:

NM_001844.5(COL2A1):c.560_564del (p.Gly186_Phe187insTer)

Gene: COL2A1 (collagen type II alpha 1 chain; minus strand). Cytogenetic location: 12q13.11.
Variant type: Deletion.
Coding change: c.560_564del on transcript NM_001844.5 (MANE Select); coding-DNA positions 560 to 564, 5 bases deleted (TTGAT; older notation c.560_564delTTGAT).
Protein change: p.Gly186_Phe187insTer.
Molecular consequence: nonsense.
Genome position (GRCh38, 1-based): chr12:47,996,593-47,996,597, ATCAA deleted on the plus strand (TTGAT on the coding strand, the reverse complement: COL2A1 is on the minus strand); deleting any 5 consecutive bases within chr12:47,996,593-47,996,600 gives the same sequence; the c. name uses the placement nearest the transcript's 3' end. VCF-style (leftmost placement, unchanged base first): chr12-47996592-CATCAA-C. GRCh37 (hg19) VCF-style: chr12-48390375-CATCAA-C.
Other names: c.353_357del, p.Gly117_Phe118insTer (NM_033150.3).
Identifiers: ClinVar variation 3651651 (VCV003651651.2).

ClinVar aggregate classification (germline): Pathogenic (1 of 4 stars; one submission).

Submission:

Labcorp Genetics (formerly Invitae), Labcorp
Classification: Pathogenic. Last evaluated: 2024-04-30. Review status: criteria provided, single submitter. Criteria: Invitae Variant Classification Sherloc (09022015). Collection method: clinical testing. Allele origin: germline.
Comment: This sequence change creates a premature translational stop signal (p.Phe187*) in the COL2A1 gene. It is expected to result in an absent or disrupted protein product. Loss-of-function variants in COL2A1 are known to be pathogenic (PMID: 20179744). This variant is not present in population databases (gnomAD no frequency). This variant has not been reported in the literature in individuals affected with COL2A1-related conditions. For these reasons, this variant has been classified as Pathogenic.

Literature cited by the submitters: PubMed 20179744.